The following is an entry in ClinVar:

NM_002860.4(ALDH18A1):c.1690G>A (p.Val564Ile)

Gene: ALDH18A1 (aldehyde dehydrogenase 18 family member A1; minus strand). Cytogenetic location: 10q24.1.
Variant type: single nucleotide variant.
Coding change: c.1690G>A on transcript NM_002860.4 (MANE Select); coding-DNA position 1690, G replaced by A.
Protein change: p.Val564Ile; replaces valine 564 with isoleucine.
Molecular consequence: missense variant.
Genome position (GRCh38, 1-based): chr10:95,614,077, C>T on the plus strand (G>A on the coding strand, the complement: ALDH18A1 is on the minus strand). VCF-style: chr10-95614077-C-T. GRCh37 (hg19) VCF-style: chr10-97373834-C-T.
Other names: c.1684G>A, p.Val562Ile (NM_001017423.2, NM_001323415.2); c.1357G>A, p.Val453Ile (NM_001323412.2, NM_001323416.2); c.1690G>A, p.Val564Ile (NM_001323413.2, NM_001323414.2); c.1585G>A, p.Val529Ile (NM_001323417.2); c.1351G>A, p.Val451Ile (NM_001323418.2); c.1054G>A, p.Val352Ile (NM_001323419.2); c.1690G>A (NM_002860.3); short protein forms V451I, V352I, V562I, V529I, V564I, V453I.
Identifiers: ClinVar variation 1392020 (VCV001392020.7), dbSNP rs2097840471, ClinGen allele CA377700732.
Genomic context (GRCh38, chr10:95,614,077, plus strand): 5'-AGATCCCTTCGCTGTGCCCCATCACTGGAATCCCCTTAGCAGCTTTCTGGATGTCTCTGA[C>T]CAGCTGGGAAGAGCCACGTGGAATGATCAGATCTATCATTTTGTCTAGGCGGCAAAGATC-3'
Protein context (NP_002851.2, residues 554-574): LIIPRGSSQL[Val564Ile]RDIQKAAKGI

ClinVar aggregate classification (germline): Uncertain significance. Review status: criteria provided, multiple submitters, no conflicts (2 of 4 stars). 2 submissions from 2 submitters: Uncertain significance (2). Last evaluated 2025-11-06.

Conditions:
de Barsy syndrome. Also called: Cutis laxa-corneal clouding-oligophrenia syndrome. Identifiers: Orphanet 2962, MedGen C0268354, MONDO:0017569.
Cutis laxa, autosomal dominant 3 (ADCL3). Identifiers: Orphanet 90348, MedGen C4225268, MONDO:0014706, OMIM 616603.
Autosomal dominant spastic paraplegia type 9. Identifiers: MedGen C1832669, MONDO:0015091.
Inborn genetic diseases. Identifiers: MedGen C0950123, MeSH D030342.

Allele frequency attached by ClinVar (database versions not stated): gnomAD exomes below 0.00001; TOPMed 0.00001.
gnomAD v4.1: 1 of 1,614,166 alleles (0.000062%); highest among the groups gnomAD compares: East Asian, 0.0022%; no homozygotes.

Submissions (2):

Ambry Genetics
Classification: Uncertain significance for Inborn genetic diseases. Last evaluated: 2025-11-06. Review status: criteria provided, single submitter. Criteria: Ambry Variant Classification Scheme 2023. Collection method: clinical testing. Allele origin: germline.

Labcorp Genetics (formerly Invitae), Labcorp
Classification: Uncertain significance for Autosomal dominant spastic paraplegia type 9; de Barsy syndrome; Cutis laxa, autosomal dominant 3. Last evaluated: 2025-08-17. Review status: criteria provided, single submitter. Criteria: Invitae Variant Classification Sherloc (09022015). Collection method: clinical testing. Allele origin: germline.
Comment: This sequence change replaces valine, which is neutral and non-polar, with isoleucine, which is neutral and non-polar, at codon 564 of the ALDH18A1 protein (p.Val564Ile). This variant is not present in population databases (gnomAD no frequency). This variant has not been reported in the literature in individuals affected with ALDH18A1-related conditions. ClinVar contains an entry for this variant (Variation ID: 1392020). Invitae Evidence Modeling of protein sequence and biophysical properties (such as structural, functional, and spatial information, amino acid conservation, physicochemical variation, residue mobility, and thermodynamic stability) indicates that this missense variant is not expected to disrupt ALDH18A1 protein function with a negative predictive value of 80%. In summary, the available evidence is currently insufficient to determine the role of this variant in disease. Therefore, it has been classified as a Variant of Uncertain Significance.